The following is an entry in ClinVar:

NM_145893.3(RBFOX1):c.85C>T (p.Gln29Ter)

Gene: RBFOX1 (RNA binding fox-1 homolog 1; plus strand). Cytogenetic location: 16p13.3.
Variant type: single nucleotide variant.
Coding change: c.85C>T on transcript NM_145893.3 (MANE Plus Clinical); coding-DNA position 85, C replaced by T.
Protein change: p.Gln29Ter; replaces glutamine 29 with a stop codon.
Molecular consequence: nonsense. On other transcripts: intron variant (5).
Genome position (GRCh38, 1-based): chr16:7,333,086, C>T. VCF-style: chr16-7333086-C-T. GRCh37 (hg19) VCF-style: chr16-7383087-C-T.
Other names: c.85C>T, p.Gln29Ter (NM_145891.3, NM_145892.3); c.28-185061C>T (NM_001364800.2, NM_018723.4, NM_001142333.2 and 1 more transcripts); c.157-185061C>T (NM_001308117.1); short protein forms Q29*.
Identifiers: ClinVar variation 1410525 (VCV001410525.6), dbSNP rs754561652, ClinGen allele CA394795306.

ClinVar aggregate classification (germline): Uncertain significance (1 of 4 stars; one submission).

Conditions:
Idiopathic generalized epilepsy. Also called: Generalised epilepsy; EIG. Identifiers: MedGen C0270850, MONDO:0005579, OMIM 600669.

gnomAD v4.1: 1 of 1,613,600 alleles (0.000062%); highest among the groups gnomAD compares: Non-Finnish European, 0.000085%; no homozygotes.

Submission:

Labcorp Genetics (formerly Invitae), Labcorp
Classification: Uncertain significance for Idiopathic generalized epilepsy. Last evaluated: 2022-07-06. Review status: criteria provided, single submitter. Criteria: Invitae Variant Classification Sherloc (09022015). Collection method: clinical testing. Allele origin: germline.
Comment: In summary, the available evidence is currently insufficient to determine the role of this variant in disease. Therefore, it has been classified as a Variant of Uncertain Significance. ClinVar contains an entry for this variant (Variation ID: 1410525). This variant has not been reported in the literature in individuals affected with RBFOX1-related conditions. This variant is not present in population databases (gnomAD no frequency). This sequence change creates a premature translational stop signal (p.Gln29*) in the RBFOX1 gene. It is expected to result in an absent or disrupted protein product. However, the current clinical and genetic evidence is not sufficient to establish whether loss-of-function variants in RBFOX1 cause disease.